The following is an entry in ClinVar:

ClinVar aggregate classification (germline): Uncertain significance (1 of 4 stars; one submission).

gnomAD v4.1: 3 of 1,534,354 alleles (0.0002%); highest among the groups gnomAD compares: East Asian, 0.0076%; no homozygotes.

Submission:

Ambry Genetics
Classification: Uncertain significance. Last evaluated: 2025-01-17. Review status: criteria provided, single submitter. Criteria: Ambry Variant Classification Scheme 2023. Collection method: clinical testing. Allele origin: germline.
Comment: The p.S186G variant (also known as c.556A>G), located in coding exon 3 of the GFI1 gene, results from an A to G substitution at nucleotide position 556. The serine at codon 186 is replaced by glycine, an amino acid with similar properties. This amino acid position is conserved. In addition, this alteration is predicted to be tolerated by in silico analysis. Based on the available evidence, the clinical significance of this variant remains unclear.

NM_005263.5(GFI1):c.556A>G (p.Ser186Gly)

Gene: GFI1 (growth factor independent 1 transcriptional repressor; minus strand). Cytogenetic location: 1p22.1.
Variant type: single nucleotide variant.
Coding change: c.556A>G on transcript NM_005263.5 (MANE Select); coding-DNA position 556, A replaced by G.
Protein change: p.Ser186Gly; replaces serine 186 with glycine.
Molecular consequence: missense variant.
Genome position (GRCh38, 1-based): chr1:92,480,831, T>C on the plus strand (A>G on the coding strand, the complement: GFI1 is on the minus strand). VCF-style: chr1-92480831-T-C. GRCh37 (hg19) VCF-style: chr1-92946388-T-C.
Other names: c.556A>G, p.Ser186Gly (NM_001127215.3, NM_001127216.3); short protein forms S186G.
Identifiers: ClinVar variation 3099437 (VCV003099437.2), dbSNP rs781749984, ClinGen allele CA951364.